The following is an entry in ClinVar:

NM_020884.7(MYH7B):c.2228T>C (p.Met743Thr)

Gene: MYH7B (myosin heavy chain 7B; plus strand). Cytogenetic location: 20q11.22.
Variant type: single nucleotide variant.
Coding change: c.2228T>C on transcript NM_020884.7 (MANE Select); coding-DNA position 2228, T replaced by C.
Protein change: p.Met743Thr; replaces methionine 743 with threonine.
Molecular consequence: missense variant.
Genome position (GRCh38, 1-based): chr20:34,993,146, T>C. VCF-style: chr20-34993146-T-C. GRCh37 (hg19) VCF-style: chr20-33580949-T-C.
Other names: short protein forms M743T.
Identifiers: ClinVar variation 2957903 (VCV002957903.3), dbSNP rs749490228, ClinGen allele CA9827295.

ClinVar aggregate classification (germline): Uncertain significance (1 of 4 stars; one submission).

Allele frequency attached by ClinVar (database versions not stated): gnomAD exomes below 0.00001; ExAC 0.00003.
gnomAD v4.1: 6 of 1,613,934 alleles (0.00037%); highest among the groups gnomAD compares: Non-Finnish European, 0.00042%; no homozygotes.

Submission:

Labcorp Genetics (formerly Invitae), Labcorp
Classification: Uncertain significance. Last evaluated: 2023-05-03. Review status: criteria provided, single submitter. Criteria: Invitae Variant Classification Sherloc (09022015). Collection method: clinical testing. Allele origin: germline.
Comment: In summary, the available evidence is currently insufficient to determine the role of this variant in disease. Therefore, it has been classified as a Variant of Uncertain Significance. Advanced modeling of protein sequence and biophysical properties (such as structural, functional, and spatial information, amino acid conservation, physicochemical variation, residue mobility, and thermodynamic stability) performed at Invitae indicates that this missense variant is not expected to disrupt MYH7B protein function. This variant has not been reported in the literature in individuals affected with MYH7B-related conditions. This variant is present in population databases (rs749490228, gnomAD 0.01%). This sequence change replaces methionine, which is neutral and non-polar, with threonine, which is neutral and polar, at codon 785 of the MYH7B protein (p.Met785Thr).